The following is an entry in ClinVar:

NM_001734.5(C1S):c.1519C>A (p.His507Asn)

Gene: C1S (complement C1s; plus strand). Cytogenetic location: 12p13.31.
Variant type: single nucleotide variant.
Coding change: c.1519C>A on transcript NM_001734.5 (MANE Select); coding-DNA position 1519, C replaced by A.
Protein change: p.His507Asn; replaces histidine 507 with asparagine.
Molecular consequence: missense variant.
Genome position (GRCh38, 1-based): chr12:7,070,103, C>A. VCF-style: chr12-7070103-C-A. GRCh37 (hg19) VCF-style: chr12-7177407-C-A.
Other names: c.1018C>A, p.His340Asn (NM_001346850.2); c.1519C>A, p.His507Asn (NM_201442.4); short protein forms H340N, H507N.
Identifiers: ClinVar variation 3705446 (VCV003705446.2).

ClinVar aggregate classification (germline): Uncertain significance (1 of 4 stars; one submission).

Submission:

Labcorp Genetics (formerly Invitae), Labcorp
Classification: Uncertain significance. Last evaluated: 2024-11-06. Review status: criteria provided, single submitter. Criteria: Invitae Variant Classification Sherloc (09022015). Collection method: clinical testing. Allele origin: germline.
Comment: This sequence change replaces histidine, which is basic and polar, with asparagine, which is neutral and polar, at codon 507 of the C1S protein (p.His507Asn). This variant is not present in population databases (gnomAD no frequency). This variant has not been reported in the literature in individuals affected with C1S-related conditions. Invitae Evidence Modeling of protein sequence and biophysical properties (such as structural, functional, and spatial information, amino acid conservation, physicochemical variation, residue mobility, and thermodynamic stability) indicates that this missense variant is not expected to disrupt C1S protein function with a negative predictive value of 80%. In summary, the available evidence is currently insufficient to determine the role of this variant in disease. Therefore, it has been classified as a Variant of Uncertain Significance.